The following is an entry in ClinVar:

NM_018344.6(SLC29A3):c.120C>T (p.Pro40=)

Gene: SLC29A3 (solute carrier family 29 member 3; plus strand). Cytogenetic location: 10q22.1.
Variant type: single nucleotide variant.
Coding change: c.120C>T on transcript NM_018344.6 (MANE Select); coding-DNA position 120, C replaced by T.
Protein change: p.Pro40=; no amino-acid change (proline 40 retained).
Molecular consequence: synonymous variant. On other transcripts: 5 prime UTR variant (1), non-coding transcript variant (2).
Genome position (GRCh38, 1-based): chr10:71,322,874, C>T. VCF-style: chr10-71322874-C-T. GRCh37 (hg19) VCF-style: chr10-73082631-C-T.
Other names: c.120C>T, p.Pro40= (NM_001174098.2); c.-115C>T (NM_001363518.2).
Identifiers: ClinVar variation 1082167 (VCV001082167.33), dbSNP rs752818853, ClinGen allele CA5542822.

ClinVar aggregate classification (germline): Likely benign. Review status: criteria provided, multiple submitters, no conflicts (2 of 4 stars). 3 submissions from 3 submitters: Likely benign (3). Last evaluated 2025-12-19.

Conditions:
H syndrome. Also called: Histiocytosis with joint contractures and sensorineural deafness; HISTIOCYTOSIS AND LYMPHADENOPATHY WITH OR WITHOUT CUTANEOUS, CARDIAC, AND/OR ENDOCRINE FEATURES, JOINT CONTRACTURES, AND/OR DEAFNESS; HYPERPIGMENTATION, CUTANEOUS, WITH HYPERTRICHOSIS, HEPATOSPLENOMEGALY, HEART ANOMALIES, AND HYPOGONADISM WITH OR WITHOUT HEARING LOSS; PIGMENTED HYPERTRICHOSIS WITH INSULIN-DEPENDENT DIABETES MELLITUS; ROSAI-DORFMAN DISEASE, FAMILIAL; SINUS HISTIOCYTOSIS AND MASSIVE LYMPHADENOPATHY. Identifiers: Orphanet 168569, MedGen C1864445, MONDO:0011273, OMIM 602782.

Allele frequency attached by ClinVar (database versions not stated): ExAC 0.00002; gnomAD exomes 0.00002 and 0.00008; TOPMed 0.00007; gnomAD 0.00008 and 0.00009.
gnomAD v4.1: 139 of 1,614,262 alleles (0.0086%); highest among the groups gnomAD compares: Non-Finnish European, 0.011%; no homozygotes.

Submissions (3):

Labcorp Genetics (formerly Invitae), Labcorp
Classification: Likely benign for H syndrome. Last evaluated: 2025-12-19. Review status: criteria provided, single submitter. Criteria: Invitae Variant Classification Sherloc (09022015). Collection method: clinical testing. Allele origin: germline.

Blueprint Genetics
Classification: Likely benign. Last evaluated: 2024-10-22. Review status: criteria provided, single submitter. Criteria: ACMG Guidelines, 2015. Collection method: clinical testing. Allele origin: germline.

CeGaT Center for Human Genetics Tuebingen
Classification: Likely benign. Last evaluated: 2023-10-01. Review status: criteria provided, single submitter. Criteria: CeGaT Center For Human Genetics Tuebingen Variant Classification Criteria Version 2. Collection method: clinical testing. Allele origin: germline. Affected: yes. Observed: 1 variant allele.
Comment: SLC29A3: BP4, BP7